The following is an entry in ClinVar:

ClinVar aggregate classification (germline): Uncertain significance (1 of 4 stars; one submission).

Submission:

Labcorp Genetics (formerly Invitae), Labcorp
Classification: Uncertain significance. Last evaluated: 2022-01-13. Review status: criteria provided, single submitter. Criteria: Invitae Variant Classification Sherloc (09022015). Collection method: clinical testing. Allele origin: germline.
Comment: This sequence change replaces alanine, which is neutral and non-polar, with valine, which is neutral and non-polar, at codon 48 of the NBAS protein (p.Ala48Val). This variant is not present in population databases (gnomAD no frequency). This variant has not been reported in the literature in individuals affected with NBAS-related conditions. Algorithms developed to predict the effect of missense changes on protein structure and function are either unavailable or do not agree on the potential impact of this missense change (SIFT: "Deleterious"; PolyPhen-2: "Benign"; Align-GVGD: "Class C55"). In summary, the available evidence is currently insufficient to determine the role of this variant in disease. Therefore, it has been classified as a Variant of Uncertain Significance.

NM_015909.4(NBAS):c.143C>T (p.Ala48Val)

Gene: NBAS (NBAS subunit of NRZ tethering complex; minus strand). Cytogenetic location: 2p24.3.
Variant type: single nucleotide variant.
Coding change: c.143C>T on transcript NM_015909.4 (MANE Select); coding-DNA position 143, C replaced by T.
Protein change: p.Ala48Val; replaces alanine 48 with valine.
Molecular consequence: missense variant. On other transcripts: non-coding transcript variant (1).
Genome position (GRCh38, 1-based): chr2:15,558,609, G>A on the plus strand (C>T on the coding strand, the complement: NBAS is on the minus strand). VCF-style: chr2-15558609-G-A. GRCh37 (hg19) VCF-style: chr2-15698733-G-A.
Other names: short protein forms A48V.
Identifiers: ClinVar variation 2081788 (VCV002081788.1), dbSNP rs1558438405, ClinGen allele CA345894609.
Genomic context (GRCh38, chr2:15,558,609, plus strand): 5'-TCATTACTGTAGAGAAATAAGCTATATTTACCTCGAATTGCTTTCGTGATGATAAAGGAT[G>A]CACCATGTTTTTGGTTGCCTCTAGGCTGGAATTTAAAACAAAAAACACTTACATTTGAAT-3'
Protein context (NP_056993.2, residues 38-58): VQPRGNQKHG[Ala48Val]SFIITKAIRD